The following is an entry in ClinVar:

NC_000016.9:g.(?_3705375)_(3741006_?)del

Genes: DNASE1 (deoxyribonuclease 1; plus strand), TRAP1 (TNF receptor associated protein 1; minus strand). Cytogenetic location: 16p13.3.
Variant type: Deletion.
Identifiers: ClinVar variation 3243654 (VCV003243654.1).

ClinVar aggregate classification (germline): Uncertain significance (1 of 4 stars; one submission).

Submission:

Labcorp Genetics (formerly Invitae), Labcorp
Classification: Uncertain significance. Last evaluated: 2023-10-03. Review status: criteria provided, single submitter. Criteria: Invitae Variant Classification Sherloc (09022015). Collection method: clinical testing. Allele origin: unknown.
Comment: This variant is a gross deletion of the genomic region encompassing exon(s) 2-18 of the TRAP1 gene, which includes the termination codon. This deletion extends beyond the assayed region for this gene and therefore may encompass additional genes. While this deletion is not anticipated to lead to nonsense mediated decay, it is expected to alter mRNA translation or result in a truncated protein product. This variant has not been reported in the literature in individuals affected with TRAP1-related conditions. Experimental studies and prediction algorithms are not available or were not evaluated, and the functional significance of this variant is currently unknown. In summary, the available evidence is currently insufficient to determine the role of this variant in disease. Therefore, it has been classified as a Variant of Uncertain Significance.